The following is an entry in ClinVar:

NM_001082971.2(DDC):c.876+2T>G

Gene: DDC (dopa decarboxylase; minus strand). Cytogenetic location: 7p12.2.
Variant type: single nucleotide variant.
Coding change: c.876+2T>G on transcript NM_001082971.2 (MANE Select); the canonical splice donor site of the intron after coding-DNA position 876, T replaced by G.
Molecular consequence: splice donor variant.
Genome position (GRCh38, 1-based): chr7:50,499,146, A>C on the plus strand (T>G on the coding strand, the complement: DDC is on the minus strand). VCF-style: chr7-50499146-A-C. GRCh37 (hg19) VCF-style: chr7-50566844-A-C.
Other names: c.642+2T>G (NM_001242888.2); c.762+2T>G (NM_001242886.2); c.597+2T>G (NM_001242889.2); c.732+2T>G (NM_001242887.2); c.876+2T>G (NM_000790.4, NM_001242890.2).
Identifiers: ClinVar variation 1478121 (VCV001478121.8), dbSNP rs915727399, ClinGen allele CA367538190.

ClinVar aggregate classification (germline): Likely pathogenic (1 of 4 stars; one submission).

Conditions:
Deficiency of aromatic-L-amino-acid decarboxylase. Also called: Aromatic L-Amino Acid Decarboxylase Deficiency; AADC DEFICIENCY; DDC DEFICIENCY; DOPA DECARBOXYLASE DEFICIENCY; Aromatic amino acid decarboxylase deficiency. Identifiers: Orphanet 35708, MedGen C1291564, MONDO:0012084, OMIM 608643.

Submission:

Labcorp Genetics (formerly Invitae), Labcorp
Classification: Likely pathogenic for Deficiency of aromatic-L-amino-acid decarboxylase. Last evaluated: 2021-05-03. Review status: criteria provided, single submitter. Criteria: Invitae Variant Classification Sherloc (09022015). Collection method: clinical testing. Allele origin: germline.
Comment: This variant has not been reported in the literature in individuals with DDC-related conditions. This sequence change affects a donor splice site in intron 8 of the DDC gene. It is expected to disrupt RNA splicing. Variants that disrupt the donor or acceptor splice site typically lead to a loss of protein function (PMID: 16199547), and loss-of-function variants in DDC are known to be pathogenic (PMID: 15079002, 24788355). This variant is not present in population databases (ExAC no frequency). Algorithms developed to predict the effect of sequence changes on RNA splicing suggest that this variant may disrupt the consensus splice site, but this prediction has not been confirmed by published transcriptional studies. In summary, the currently available evidence indicates that the variant is pathogenic, but additional data are needed to prove that conclusively. Therefore, this variant has been classified as Likely Pathogenic.

Literature cited by the submitters: PubMed 16199547; PubMed 15079002; PubMed 24788355.